The following is an entry in ClinVar:

ClinVar aggregate classification (germline): Benign/Likely benign. Review status: criteria provided, multiple submitters, no conflicts (2 of 4 stars). 3 submissions from 3 submitters: Benign (1); Likely benign (2). Last evaluated 2026-08-18.

Conditions:
DICER1-related tumor predisposition. Also called: DICER1 syndrome; DICER1-related pleuropulmonary blastoma cancer predisposition syndrome. Identifiers: Orphanet 284343, MedGen C3839822, MONDO:0100216.
Hereditary cancer-predisposing syndrome. Also called: Tumor predisposition; Neoplastic Syndromes, Hereditary; Hereditary Cancer Syndrome; Hereditary neoplastic syndrome. Identifiers: Orphanet 140162, MedGen C0027672, MeSH D009386, MONDO:0015356.

Allele frequency attached by ClinVar (database versions not stated): gnomAD 0.00001; TOPMed below 0.00001.
gnomAD v4.1: 1 of 1,613,880 alleles (0.000062%); highest among the groups gnomAD compares: Admixed American, 0.0017%; no homozygotes.

Submissions (3):

Myriad Genetics, Inc.
Classification: Benign for DICER1-related tumor predisposition. Last evaluated: 2026-08-18. Review status: criteria provided, single submitter. Criteria: Myriad Autosomal Dominant, Autosomal Recessive and X-Linked Classification Criteria (2023). Collection method: clinical testing. Allele origin: unknown.
Comment: This variant is considered benign. This variant is a silent/synonymous amino acid change and it is not expected to impact splicing.

Ambry Genetics
Classification: Likely benign for Hereditary cancer-predisposing syndrome. Last evaluated: 2026-06-22. Review status: criteria provided, single submitter. Criteria: Ambry Variant Classification Scheme 2023. Collection method: clinical testing. Allele origin: germline.

Labcorp Genetics (formerly Invitae), Labcorp
Classification: Likely benign for DICER1-related tumor predisposition. Last evaluated: 2024-02-20. Review status: criteria provided, single submitter. Criteria: Invitae Variant Classification Sherloc (09022015). Collection method: clinical testing. Allele origin: germline.

NM_177438.3(DICER1):c.2400A>G (p.Arg800=)

Gene: DICER1 (dicer 1, ribonuclease III; minus strand). Cytogenetic location: 14q32.13.
Variant type: single nucleotide variant.
Coding change: c.2400A>G on transcript NM_177438.3 (MANE Select); coding-DNA position 2400, A replaced by G.
Protein change: p.Arg800=; no amino-acid change (arginine 800 retained).
Molecular consequence: synonymous variant.
Genome position (GRCh38, 1-based): chr14:95,108,360, T>C on the plus strand (A>G on the coding strand, the complement: DICER1 is on the minus strand). VCF-style: chr14-95108360-T-C. GRCh37 (hg19) VCF-style: chr14-95574697-T-C.
Other names: c.2400A>G, p.Arg800= (NM_001195573.1, NM_001271282.3, NM_001291628.2 and 1 more transcripts).
Identifiers: ClinVar variation 543607 (VCV000543607.14), dbSNP rs1555370902, ClinGen allele CA487628390.